The following is an entry in ClinVar:

ClinVar aggregate classification (germline): Pathogenic (1 of 4 stars; one submission).

Conditions:
RYR1-related disorder. Also called: RYR1-related condition; RYR1-related disorders. Identifiers: MedGen CN239331.

Submission:

Labcorp Genetics (formerly Invitae), Labcorp
Classification: Pathogenic for RYR1-related disorder. Last evaluated: 2022-06-20. Review status: criteria provided, single submitter. Criteria: Invitae Variant Classification Sherloc (09022015). Collection method: clinical testing. Allele origin: germline.
Comment: For these reasons, this variant has been classified as Pathogenic. This variant has not been reported in the literature in individuals affected with RYR1-related conditions. This variant is not present in population databases (gnomAD no frequency). This sequence change creates a premature translational stop signal (p.Asn3428Serfs*45) in the RYR1 gene. It is expected to result in an absent or disrupted protein product. Loss-of-function variants in RYR1 are known to be pathogenic (PMID: 20583297, 20839240, 23919265, 28818389).

Literature cited by the submitters: PubMed 20583297; PubMed 20839240; PubMed 23919265; PubMed 28818389.

NM_000540.3(RYR1):c.10278_10282dup (p.Asn3428fs)

Gene: RYR1 (ryanodine receptor 1; plus strand). Cytogenetic location: 19q13.2.
Variant type: Duplication.
Coding change: c.10278_10282dup on transcript NM_000540.3 (MANE Select); coding-DNA positions 10278 to 10282, 5 bases duplicated (GCCGA; older notation c.10278_10282dupGCCGA).
Protein change: p.Asn3428fs; shifts the reading frame from asparagine 3428.
Molecular consequence: frameshift variant.
Genome position (GRCh38, 1-based): chr19:38,523,046-38,523,050, GCCGA duplicated; duplicating any 5 consecutive bases within chr19:38,523,044-38,523,050 gives the same sequence; the c. name uses the placement nearest the transcript's 3' end. VCF-style (leftmost placement, unchanged base first): chr19-38523043-G-GGAGCC. GRCh37 (hg19) VCF-style: chr19-39013683-G-GGAGCC.
Other names: c.10278_10282dup, p.Asn3428fs (NM_001042723.2); short protein forms N3428fs.
Identifiers: ClinVar variation 1373616 (VCV001373616.6), dbSNP rs2145702358, ClinGen allele CA2573156345.